The following is an entry in ClinVar:

ClinVar aggregate classification (germline): Uncertain significance (1 of 4 stars; one submission).

gnomAD v4.1: 14 of 1,614,162 alleles (0.00087%); highest among the groups gnomAD compares: Non-Finnish European, 0.0011%; no homozygotes.

Submission:

Labcorp Genetics (formerly Invitae), Labcorp
Classification: Uncertain significance. Last evaluated: 2026-01-13. Review status: criteria provided, single submitter. Criteria: Invitae Variant Classification Sherloc (09022015). Collection method: clinical testing. Allele origin: germline.
Comment: This sequence change replaces arginine, which is basic and polar, with cysteine, which is neutral and slightly polar, at codon 321 of the ACTN1 protein (p.Arg321Cys). This variant is present in population databases (rs771989409, gnomAD 0.002%). This variant has not been reported in the literature in individuals affected with ACTN1-related conditions. Invitae Evidence Modeling of protein sequence and biophysical properties (such as structural, functional, and spatial information, amino acid conservation, physicochemical variation, residue mobility, and thermodynamic stability) indicates that this missense variant is expected to disrupt ACTN1 protein function with a positive predictive value of 80%. In summary, the available evidence is currently insufficient to determine the role of this variant in disease. Therefore, it has been classified as a Variant of Uncertain Significance.

NM_001130004.2(ACTN1):c.961C>T (p.Arg321Cys)

Gene: ACTN1 (actinin alpha 1; minus strand). Cytogenetic location: 14q24.1.
Variant type: single nucleotide variant.
Coding change: c.961C>T on transcript NM_001130004.2 (MANE Select); coding-DNA position 961, C replaced by T.
Protein change: p.Arg321Cys; replaces arginine 321 with cysteine.
Molecular consequence: missense variant.
Genome position (GRCh38, 1-based): chr14:68,892,178, G>A on the plus strand (C>T on the coding strand, the complement: ACTN1 is on the minus strand). VCF-style: chr14-68892178-G-A. GRCh37 (hg19) VCF-style: chr14-69358895-G-A.
Other names: c.961C>T, p.Arg321Cys (NM_001102.4, NM_001130005.2, NM_001411035.1 and 9 more transcripts); c.766C>T, p.Arg256Cys (NM_001411036.1, NM_001424026.1, NM_001424028.1); c.1087C>T, p.Arg363Cys (NM_001424013.1); c.1048C>T, p.Arg350Cys (NM_001424015.1); c.958C>T, p.Arg320Cys (NM_001424017.1); c.898C>T, p.Arg300Cys (NM_001424018.1, NM_001424020.1, NM_001424022.1); c.892C>T, p.Arg298Cys (NM_001424021.1); c.136C>T, p.Arg46Cys (NM_001424030.1); short protein forms R320C, R298C, R321C, R350C, R256C, R300C, R46C, R363C.
Identifiers: ClinVar variation 4700876 (VCV004700876.1).